The following is an entry in ClinVar:

ClinVar aggregate classification (germline): Likely benign (0 of 4 stars; one submission).

Conditions:
TAOK2-related disorder. Also called: TAOK2-related condition.

Allele frequency attached by ClinVar (database versions not stated): 1000 Genomes Project 30x 0.00062; 1000 Genomes Project 0.00060; ESP Exome Variant Server 0.00145.
gnomAD v4.1: 3,504 of 1,592,928 alleles (0.22%); highest among the groups gnomAD compares: Non-Finnish European, 0.25%; 7 homozygotes.

Submission:

PreventionGenetics, part of Exact Sciences
Classification: Likely benign for TAOK2-related condition. Last evaluated: 2019-07-12. Review status: no assertion criteria provided. Collection method: clinical testing. Allele origin: germline.
Comment: This variant is classified as likely benign based on ACMG/AMP sequence variant interpretation guidelines (Richards et al. 2015 PMID: 25741868, with internal and published modifications).

NM_004783.4(TAOK2):c.2938A>T (p.Asn980Tyr)

Gene: TAOK2 (TAO kinase 2; plus strand). Cytogenetic location: 16p11.2.
Variant type: single nucleotide variant.
Coding change: c.2938A>T on transcript NM_004783.4; coding-DNA position 2938, A replaced by T.
Protein change: p.Asn980Tyr; replaces asparagine 980 with tyrosine.
Molecular consequence: missense variant.
Genome position (GRCh38, 1-based): chr16:29,991,356, A>T. VCF-style: chr16-29991356-A-T. GRCh37 (hg19) VCF-style: chr16-30002677-A-T.
Other names: short protein forms N980Y.
Identifiers: ClinVar variation 3050150 (VCV003050150.2), dbSNP rs80174893, ClinGen allele CA7998847.